The following is an entry in ClinVar:

NM_006312.6(NCOR2):c.1483-9dup

Gene: NCOR2 (nuclear receptor corepressor 2; minus strand). Cytogenetic location: 12q24.31.
Variant type: Duplication.
Coding change: c.1483-9dup on transcript NM_006312.6 (MANE Select); 9 bases into the intron before coding-DNA position 1483, one base duplicated (G; older notation c.1483-9dupG).
Molecular consequence: intron variant.
Genome position (GRCh38, 1-based): chr12:124,402,570, C duplicated on the plus strand (G on the coding strand, the reverse complement: NCOR2 is on the minus strand); the first of 4 consecutive C bases (chr12:124,402,570-124,402,573); duplicating any one gives the same sequence. VCF-style (leftmost placement, unchanged base first): chr12-124402569-A-AC. GRCh37 (hg19) VCF-style: chr12-124887115-A-AC.
Other names: c.1480-9dup (NM_001077261.4, NM_001206654.2).
Identifiers: ClinVar variation 3044605 (VCV003044605.2), dbSNP rs545274478, ClinGen allele CA6869483.

ClinVar aggregate classification (germline): Likely benign (0 of 4 stars; one submission).

Conditions:
NCOR2-related disorder. Also called: NCOR2-related condition.

Submission:

PreventionGenetics, part of Exact Sciences
Classification: Likely benign for NCOR2-related condition. Last evaluated: 2019-04-05. Review status: no assertion criteria provided. Collection method: clinical testing. Allele origin: germline.
Comment: This variant is classified as likely benign based on ACMG/AMP sequence variant interpretation guidelines (Richards et al. 2015 PMID: 25741868, with internal and published modifications).